The following is an entry in ClinVar:

NM_002225.5(IVD):c.145-1G>C

Gene: IVD (isovaleryl-CoA dehydrogenase; plus strand). Cytogenetic location: 15q15.1.
Variant type: single nucleotide variant.
Coding change: c.145-1G>C on transcript NM_002225.5 (MANE Select); the canonical splice acceptor site of the intron before coding-DNA position 145, G replaced by C.
Molecular consequence: splice acceptor variant. On other transcripts: intron variant (1).
Genome position (GRCh38, 1-based): chr15:40,407,635, G>C. VCF-style: chr15-40407635-G-C. GRCh37 (hg19) VCF-style: chr15-40699836-G-C.
Other names: c.145-1G>C (NM_001354600.3, NM_001354598.3, NM_001354601.3 and 1 more transcripts); c.97-1G>C (NM_001354597.3); c.145-304G>C (NM_001159508.3).
Identifiers: ClinVar variation 4848155 (VCV004848155.1).

ClinVar aggregate classification (germline): Likely pathogenic (1 of 4 stars; one submission).

Conditions:
Isovaleryl-CoA dehydrogenase deficiency (IVA). Also called: ISOVALERIC ACID CoA DEHYDROGENASE DEFICIENCY; Classic Isovaleric Acidemia; Isovaleric acidemia; IVD DEFICIENCY. Identifiers: Orphanet 33, MedGen C0268575, MONDO:0009475, OMIM 243500.

Submission:

Women's Health and Genetics/Laboratory Corporation of America, LabCorp
Classification: Likely pathogenic for Isovaleryl-CoA dehydrogenase deficiency. Last evaluated: 2026-02-24. Review status: criteria provided, single submitter. Criteria: LabCorp Variant Classification Summary - May 2015. Collection method: clinical testing. Allele origin: germline.
Comment: Variant summary: IVD c.145-1G>C is located in a canonical splice-site and is predicted to affect mRNA splicing resulting in a significantly altered protein due to either exon skipping, shortening, or inclusion of intronic material. Variants that disrupt the consensus splice site are a relatively common cause of aberrant splicing and loss of IVD function. Several computational tools predict a significant impact on normal splicing: Four predict the variant abolishes a canonical 3' acceptor site. Four predict the variant creates or strenthens a cryptic 3' acceptor site. However, these predictions have yet to be confirmed by functional studies. The variant was absent in 251476 control chromosomes (gnomAD). To our knowledge, no occurrence of c.145-1G>C in individuals affected with IVD-related conditions and no experimental evidence demonstrating its impact on protein function have been reported. No submitters have cited clinical-significance assessments for this variant to ClinVar. Based on the evidence outlined above, the variant was classified as likely pathogenic.